The following is an entry in ClinVar:

NM_198576.4(AGRN):c.92G>T (p.Cys31Phe)

Gene: AGRN (agrin; plus strand). Cytogenetic location: 1p36.33.
Variant type: single nucleotide variant.
Coding change: c.92G>T on transcript NM_198576.4 (MANE Select); coding-DNA position 92, G replaced by T.
Protein change: p.Cys31Phe; replaces cysteine 31 with phenylalanine.
Molecular consequence: missense variant.
Genome position (GRCh38, 1-based): chr1:1,020,264, G>T. VCF-style: chr1-1020264-G-T. GRCh37 (hg19) VCF-style: chr1-955644-G-T.
Other names: c.92G>T, p.Cys31Phe (NM_001305275.2); short protein forms C31F.
Identifiers: ClinVar variation 1427204 (VCV001427204.8), dbSNP rs2100555629, ClinGen allele CA337810047.

ClinVar aggregate classification (germline): Uncertain significance (1 of 4 stars; one submission).

Conditions:
Congenital myasthenic syndrome 8. Also called: Myasthenic syndrome, congenital, 8, with pre- and postsynaptic defects; MYASTHENIC SYNDROME, CONGENITAL, DUE TO AGRIN DEFICIENCY. Identifiers: Orphanet 590, MedGen C3808739, MONDO:0014052, OMIM 615120.

gnomAD v4.1: 4 of 1,467,160 alleles (0.00027%); highest among the groups gnomAD compares: Non-Finnish European, 0.00036%; no homozygotes.

Submission:

Labcorp Genetics (formerly Invitae), Labcorp
Classification: Uncertain significance for Congenital myasthenic syndrome 8. Last evaluated: 2021-05-04. Review status: criteria provided, single submitter. Criteria: Invitae Variant Classification Sherloc (09022015). Collection method: clinical testing. Allele origin: germline.
Comment: In summary, the available evidence is currently insufficient to determine the role of this variant in disease. Therefore, it has been classified as a Variant of Uncertain Significance. Algorithms developed to predict the effect of missense changes on protein structure and function are either unavailable or do not agree on the potential impact of this missense change (SIFT: "Deleterious"; PolyPhen-2: "Benign"; Align-GVGD: "Class C0"). This variant has not been reported in the literature in individuals with AGRN-related conditions. The frequency data for this variant in the population databases is considered unreliable, as metrics indicate insufficient coverage at this position in the ExAC database. This sequence change replaces cysteine with phenylalanine at codon 31 of the AGRN protein (p.Cys31Phe). The cysteine residue is weakly conserved and there is a large physicochemical difference between cysteine and phenylalanine.